The following is an entry in ClinVar:

ClinVar aggregate classification (germline): Pathogenic/Likely pathogenic. Review status: criteria provided, multiple submitters, no conflicts (2 of 4 stars). 11 submissions from 10 submitters: Pathogenic (6); Likely pathogenic (2). 3 of the submissions do not count toward it. Last evaluated 2026-09-28.

Conditions:
Developmental and epileptic encephalopathy, 42 (DEE42A). Also called: Epileptic encephalopathy, early infantile, 42; DEVELOPMENTAL AND EPILEPTIC ENCEPHALOPATHY 42A; EPILEPTIC ENCEPHALOPATHY, EARLY INFANTILE, 42A. Identifiers: MedGen C4310716, MONDO:0014917, OMIM 617106.
Episodic ataxia type 2 (EA2). Also called: ATAXIA, EPISODIC, WITH NYSTAGMUS; ATAXIA, FAMILIAL PAROXYSMAL; CEREBELLAR ATAXIA, PAROXYSMAL, ACETAZOLAMIDE-RESPONSIVE; CEREBELLOPATHY, HEREDITARY PAROXYSMAL; ACETAZOLAMIDE-RESPONSIVE HEREDITARY PAROXYSMAL CEREBELLAR ATAXIA; EPISODIC ATAXIA, NYSTAGMUS-ASSOCIATED. Identifiers: Orphanet 97, MedGen C1720416, MONDO:0007163, OMIM 108500.
CACNA1A-related disorder. Also called: CACNA1A-related condition.
Migraine, familial hemiplegic, 1. Also called: MIGRAINE, FAMILIAL HEMIPLEGIC 1, WITH PROGRESSIVE CEREBELLAR ATAXIA. Identifiers: Orphanet 569, MedGen C1832884, MONDO:0020756, OMIM 141500, MONDO:0007714.
Spinocerebellar ataxia type 6 (SCA6). Identifiers: Orphanet 98758, MedGen C0752124, MONDO:0008457, OMIM 183086.
Inborn genetic diseases. Identifiers: MedGen C0950123, MeSH D030342.
Neurodevelopmental delay. Identifiers: MedGen C4022738, HP:0012758.

Submissions (11):

GeneDx
Classification: Pathogenic. Last evaluated: 2026-09-28. Review status: criteria provided, single submitter. Criteria: GeneDx Variant Classification Process June 2021. Collection method: clinical testing. Allele origin: germline.
Comment: Not observed at significant frequency in large population cohorts (gnomAD); In silico analysis supports that this missense variant has a deleterious effect on protein structure/function; This variant is associated with the following publications: (PMID: 20837964, 15452324, 28717674, 37422902, 39763636, 33057194, 36494636, 35982159, 34806130, 38958063, 41370402, 15240985)

3billion
Classification: Pathogenic for CACNA1A-related disorder. Last evaluated: 2026-01-26. Review status: criteria provided, single submitter. Criteria: ACMG Guidelines, 2015. Collection method: clinical testing. Allele origin: germline. Affected: yes.
Comment: The variant is not observed in the gnomAD v4.1.0 dataset. Predicted Consequence/Location: Missense variant In silico tool predictions suggest damaging effect of the variant on gene or gene product [REVEL: 0.97 (>=0.6, sensitivity 0.68 and specificity 0.92); 3Cnet: 0.95 (> 0.75, sensitivity 0.96 and precision 0.92)]. The same nucleotide change resulting in the same amino acid change has been previously reported as pathogenic/likely pathogenic with strong evidence (ClinVar ID: VCV000008510 /PMID: 15452324 /3billion dataset). The variant has been observed in at least two similarly affected unrelated individuals (3billion dataset). A different missense change at the same codon (p.Ile1708Leu) has been reported to be associated with CACNA1A-related disorder (ClinVar ID: VCV001470576). Therefore, this variant is classified as Pathogenic according to the recommendation of ACMG/AMP guideline.

Dasa
Classification: Likely pathogenic. Last evaluated: 2026-01-09. Review status: criteria provided, single submitter. Criteria: DASA Assertion Criteria. Collection method: clinical testing. Allele origin: germline.
Comment: NM_001127222.2(CACNA1A):c.5123T>C (p.Ile1708Thr) is a missense variant that results in the substitution of isoleucine with threonine. This variant has been reported in individuals with CACNA1A-related disorders (PMID: 15452324). This variant has been reported as a de novo occurrence in an affected individual (PMID: 32888184). Segregation data support an association with disease in the reported family/families (PMID: 15452324). Also, this variant is rare in population databases. Computational evidence supports a deleterious effect. Based on the currently available evidence, this variant is classified as likely pathogenic.

Labcorp Genetics (formerly Invitae), Labcorp
Classification: Pathogenic for Developmental and epileptic encephalopathy, 42; Episodic ataxia type 2. Last evaluated: 2024-05-05. Review status: criteria provided, single submitter. Criteria: Invitae Variant Classification Sherloc (09022015). Collection method: clinical testing. Allele origin: germline.
Comment: This sequence change replaces isoleucine, which is neutral and non-polar, with threonine, which is neutral and polar, at codon 1709 of the CACNA1A protein (p.Ile1709Thr). This variant is not present in population databases (gnomAD no frequency). This missense change has been observed in individual(s) with familial hemiplegic migraine (PMID: 15240985, 15452324). In at least one individual the variant was observed to be de novo. It has also been observed to segregate with disease in related individuals. This variant is also known as 5404T>C or 5129T>C. ClinVar contains an entry for this variant (Variation ID: 8510). Advanced modeling of protein sequence and biophysical properties (such as structural, functional, and spatial information, amino acid conservation, physicochemical variation, residue mobility, and thermodynamic stability) performed at Invitae indicates that this missense variant is expected to disrupt CACNA1A protein function with a positive predictive value of 95%. For these reasons, this variant has been classified as Pathogenic.

Blueprint Genetics
Classification: Pathogenic for CACNA1A-related disorders. Last evaluated: 2023-09-21. Review status: criteria provided, single submitter. Criteria: ACMG Guidelines, 2015. Collection method: clinical testing. Allele origin: germline. Affected: yes. Observed: 2 variant alleles.

Ambry Genetics
Classification: Likely pathogenic for Inborn genetic diseases. Last evaluated: 2018-05-11. Review status: criteria provided, single submitter. Criteria: Ambry Variant Classification Scheme 2023. Collection method: clinical testing. Allele origin: germline.
Comment: The p.I1709T variant (also known as c.5126T>C), located in coding exon 33 of the CACNA1A gene, results from a T to C substitution at nucleotide position 5126. The isoleucine at codon 1709 is replaced by threonine, an amino acid with similar properties. This proband's two children both have cerebellar ataxia, cerebellar atrophy, migraine without aura, two episodes of hemiplegic migraine, and a history of childhood seizures (Kors EE et al. Neurology, 2004 Sep;63:1136-7). This amino acid position is highly conserved in available vertebrate species. In addition, this alteration is predicted to be deleterious by in silico analysis. Based on the majority of available evidence to date, this variant is likely to be pathogenic.

Centre de Biologie Pathologie Génétique, Centre Hospitalier Universitaire de Lille
Classification: Pathogenic for Neurodevelopmental delay. Review status: criteria provided, single submitter. Criteria: ACMG Guidelines, 2015. Collection method: clinical testing. Allele origin: de novo. Affected: yes.

Juno Genomics, Hangzhou Juno Genomics, Inc
Classification: Pathogenic for Spinocerebellar ataxia type 6; Developmental and epileptic encephalopathy, 42; Episodic ataxia type 2; Migraine, familial hemiplegic, 1. Review status: criteria provided, single submitter. Criteria: ACMG Guidelines, 2015. Collection method: clinical testing. Allele origin: germline. Affected: yes.
Comment: Absent from controls (or at extremely low frequency if recessive) in Genome Aggregation Database, Exome Sequencing Project, 1000 Genomes Project, or Exome Aggregation Consortium.;Multiple lines of computational evidence support a deleterious effect on the gene or gene product (conservation, evolutionary, splicing impact, etc).;Missense variant in a gene that has a low rate of benign missense variation and where missense variants are a common mechanism of disease.;The prevalence of the variant in affected individuals is significantly increased compared to the prevalence in controls.;De novo (both maternity and paternity confirmed) in a patient with the disease and no family history.;Patient's phenotype or family history is highly specific for a disease with a single genetic etiology.;Co-segregation with disease in multiple affected family members in a gene definitively known to cause the disease.

Mendelics
Classification: Pathogenic for Episodic ataxia type 2. Last evaluated: 2014-11-24. Review status: no assertion criteria provided. Collection method: clinical testing. Allele origin: de novo. Affected: yes. Not counted in ClinVar's aggregate classification.

OMIM
Classification: Pathogenic for MIGRAINE, FAMILIAL HEMIPLEGIC, 1. Last evaluated: 2004-09-28. Review status: no assertion criteria provided. Collection method: literature only. Allele origin: germline. Not counted in ClinVar's aggregate classification.

OMIM
Classification: Pathogenic for SPINOCEREBELLAR ATAXIA 6. Last evaluated: 2004-09-28. Review status: no assertion criteria provided. Collection method: literature only. Allele origin: germline. Not counted in ClinVar's aggregate classification.

Literature cited by the submitters: PubMed 15452324 (cited by 6 submitters); PubMed 39763636 (cited by Dasa); PubMed 34806130 (cited by Dasa); PubMed 32888184 (cited by Dasa); PubMed 15240985 (cited by Labcorp Genetics (formerly Invitae), Labcorp and Ambry Genetics); PubMed 20837964 (cited by Ambry Genetics).

NM_001127222.2(CACNA1A):c.5123T>C (p.Ile1708Thr)

Gene: CACNA1A (calcium voltage-gated channel subunit alpha1 A; minus strand). Cytogenetic location: 19p13.13.
Variant type: single nucleotide variant.
Coding change: c.5123T>C on transcript NM_001127222.2 (MANE Select); coding-DNA position 5123, T replaced by C.
Protein change: p.Ile1708Thr; replaces isoleucine 1708 with threonine.
Molecular consequence: missense variant.
Genome position (GRCh38, 1-based): chr19:13,235,219, A>G on the plus strand (T>C on the coding strand, the complement: CACNA1A is on the minus strand). VCF-style: chr19-13235219-A-G. GRCh37 (hg19) VCF-style: chr19-13346033-A-G.
Other names: I1710T; c.5141T>C, p.Ile1714Thr (NM_000068.4, NM_023035.3); c.5126T>C, p.Ile1709Thr (NM_001127221.2); c.5132T>C, p.Ile1711Thr (NM_001174080.2); short protein forms I1709T, I1714T, I1708T, I1711T.
Identifiers: ClinVar variation 8510 (VCV000008510.21), dbSNP rs121909326, ClinGen allele CA254489.